The following is an entry in ClinVar:

ClinVar aggregate classification (germline): Uncertain significance (1 of 4 stars; one submission).

Allele frequency attached by ClinVar (database versions not stated): gnomAD 0.00001; gnomAD exomes 0.00001; TOPMed 0.00002.
gnomAD v4.1: 5 of 1,613,984 alleles (0.00031%); highest among the groups gnomAD compares: Admixed American, 0.005%; no homozygotes.

Submission:

Labcorp Genetics (formerly Invitae), Labcorp
Classification: Uncertain significance. Last evaluated: 2023-10-08. Review status: criteria provided, single submitter. Criteria: Invitae Variant Classification Sherloc (09022015). Collection method: clinical testing. Allele origin: germline.
Comment: This sequence change replaces alanine, which is neutral and non-polar, with valine, which is neutral and non-polar, at codon 1451 of the SON protein (p.Ala1451Val). This variant is present in population databases (no rsID available, gnomAD 0.003%). This variant has not been reported in the literature in individuals affected with SON-related conditions. Algorithms developed to predict the effect of missense changes on protein structure and function output the following: SIFT: "Not Available"; PolyPhen-2: "Benign"; Align-GVGD: "Not Available". The valine amino acid residue is found in multiple mammalian species, which suggests that this missense change does not adversely affect protein function. In summary, the available evidence is currently insufficient to determine the role of this variant in disease. Therefore, it has been classified as a Variant of Uncertain Significance.

NM_138927.4(SON):c.4352C>T (p.Ala1451Val)

Gene: SON (SON DNA and RNA binding protein; plus strand). Cytogenetic location: 21q22.11.
Variant type: single nucleotide variant.
Coding change: c.4352C>T on transcript NM_138927.4 (MANE Select); coding-DNA position 4352, C replaced by T.
Protein change: p.Ala1451Val; replaces alanine 1451 with valine.
Molecular consequence: missense variant. On other transcripts: non-coding transcript variant (1), intron variant (1).
Genome position (GRCh38, 1-based): chr21:33,553,583, C>T. VCF-style: chr21-33553583-C-T. GRCh37 (hg19) VCF-style: chr21-34925889-C-T.
Other names: c.4352C>T, p.Ala1451Val (NM_001291411.2, NM_001412133.1, NM_032195.3 and 2 more transcripts); c.245-3573C>T (NM_001291412.3); short protein forms A1451V.
Identifiers: ClinVar variation 2891731 (VCV002891731.3), dbSNP rs1345082982, ClinGen allele CA410162439.
Genomic context (GRCh38, chr21:33,553,583, plus strand): 5'-TGATTGTTTCAGAACCATCTGTTTCTGTCCAGGAATCGACTGTGACAGTTTCAGAGCCTG[C>T]TGTCACAGTCTCAGAGCAGACTCAAGTAATACCAACTGAGGTGGCTATAGAGTCCACACC-3'
Protein context (NP_620305.3, residues 1441-1461): QESTVTVSEP[Ala1451Val]VTVSEQTQVI